The following is an entry in ClinVar:

ClinVar aggregate classification (germline): Uncertain significance (1 of 4 stars; one submission).

Conditions:
Neuroblastoma, susceptibility to, 3. Also called: ALK-Related Neuroblastic Tumor Susceptibility. Identifiers: Orphanet 635, MedGen C2751681, MONDO:0013083, OMIM 613014.

Submission:

Labcorp Genetics (formerly Invitae), Labcorp
Classification: Uncertain significance for Neuroblastoma, susceptibility to, 3. Last evaluated: 2025-05-04. Review status: criteria provided, single submitter. Criteria: Invitae Variant Classification Sherloc (09022015). Collection method: clinical testing. Allele origin: germline.
Comment: This sequence change creates a premature translational stop signal (p.Glu374Aspfs*53) in the ALK gene. It is expected to result in an absent or disrupted protein product. However, the current clinical and genetic evidence is not sufficient to establish whether loss-of-function variants in ALK cause disease. This variant is not present in population databases (gnomAD no frequency). This variant has not been reported in the literature in individuals affected with ALK-related conditions. In summary, the available evidence is currently insufficient to determine the role of this variant in disease. Therefore, it has been classified as a Variant of Uncertain Significance.

NM_004304.5(ALK):c.1122_1123del (p.Glu374fs)

Gene: ALK (ALK receptor tyrosine kinase; minus strand). Cytogenetic location: 2p23.2.
Variant type: Microsatellite.
Coding change: c.1122_1123del on transcript NM_004304.5 (MANE Select); coding-DNA positions 1122 to 1123, 2 bases deleted (GA; older notation c.1122_1123delGA).
Protein change: p.Glu374fs; shifts the reading frame from glutamic acid 374.
Molecular consequence: frameshift variant.
Genome position (GRCh38, 1-based): chr2:29,531,946-29,531,947, TC deleted on the plus strand (GA on the coding strand, the reverse complement: ALK is on the minus strand); deleting any 2 consecutive bases within chr2:29,531,946-29,531,952 gives the same sequence; the c. name uses the placement nearest the transcript's 3' end. VCF-style (leftmost placement, unchanged base first): chr2-29531945-ATC-A. GRCh37 (hg19) VCF-style: chr2-29754811-ATC-A.
Other names: short protein forms E374fs.
Identifiers: ClinVar variation 4773233 (VCV004773233.1).